The following is an entry in ClinVar:

NM_000038.6(APC):c.8165T>G (p.Leu2722Arg)

Gene: APC (APC regulator of Wnt signaling pathway; plus strand). Cytogenetic location: 5q22.2.
Variant type: single nucleotide variant.
Coding change: c.8165T>G on transcript NM_000038.6 (MANE Select); coding-DNA position 8165, T replaced by G.
Protein change: p.Leu2722Arg; replaces leucine 2722 with arginine.
Molecular consequence: missense variant. On other transcripts: non-coding transcript variant (2).
Genome position (GRCh38, 1-based): chr5:112,843,759, T>G. VCF-style: chr5-112843759-T-G. GRCh37 (hg19) VCF-style: chr5-112179456-T-G.
Other names: c.8165T>G, p.Leu2722Arg (NM_001127510.3, NM_001354895.2, NM_001407450.1); c.8111T>G, p.Leu2704Arg (NM_001127511.3); c.8219T>G, p.Leu2740Arg (NM_001354896.2, NM_001407447.1, NM_001407448.1 and 1 more transcripts); c.8195T>G, p.Leu2732Arg (NM_001354897.2); c.8090T>G, p.Leu2697Arg (NM_001354898.2); c.8081T>G, p.Leu2694Arg (NM_001354899.2); c.8042T>G, p.Leu2681Arg (NM_001354900.2); c.7988T>G, p.Leu2663Arg (NM_001354901.2, NM_001407453.1); and 11 more; short protein forms L2596R, L2712R, L2732R, L2621R, L2639R, L2663R, L2715R, L2740R.
Identifiers: ClinVar variation 3882660 (VCV003882660.2).

ClinVar aggregate classification (germline): Uncertain significance. Review status: criteria provided, multiple submitters, no conflicts (2 of 4 stars). 2 submissions from 2 submitters: Uncertain significance (2). Last evaluated 2025-07-08.

Conditions:
Hereditary cancer-predisposing syndrome. Also called: Tumor predisposition; Neoplastic Syndromes, Hereditary; Hereditary Cancer Syndrome; Hereditary neoplastic syndrome. Identifiers: Orphanet 140162, MedGen C0027672, MeSH D009386, MONDO:0015356.

Submissions (2):

Color Diagnostics, LLC DBA Color Health
Classification: Uncertain significance for Hereditary cancer-predisposing syndrome. Last evaluated: 2025-07-08. Review status: criteria provided, single submitter. Criteria: ACMG Guidelines, 2015. Collection method: clinical testing. Allele origin: germline.
Comment: This missense variant replaces leucine with arginine at codon 2722 of the APC protein. Computational prediction suggests that this variant may not impact protein structure and function. To our knowledge, functional studies have not been reported for this variant. This variant has not been reported in individuals affected with APC-related disorders in the literature. This variant has not been identified in the general population by the Genome Aggregation Database (gnomAD). The available evidence is insufficient to determine the role of this variant in disease conclusively. Therefore, this variant is classified as a Variant of Uncertain Significance.

Ambry Genetics
Classification: Uncertain significance for Hereditary cancer-predisposing syndrome. Last evaluated: 2025-03-01. Review status: criteria provided, single submitter. Criteria: Ambry Variant Classification Scheme 2023. Collection method: clinical testing. Allele origin: germline.
Comment: The p.L2722R variant (also known as c.8165T>G), located in coding exon 15 of the APC gene, results from a T to G substitution at nucleotide position 8165. The leucine at codon 2722 is replaced by arginine, an amino acid with dissimilar properties. This amino acid position is conserved. In addition, in silico predictors for this gene do not accurately predict pathogenicity. Based on the available evidence, the clinical significance of this variant remains unclear.